The following is an entry in ClinVar:

ClinVar aggregate classification (germline): Benign (1 of 4 stars; one submission).

Allele frequency attached by ClinVar (database versions not stated): gnomAD 0.21538; 1000 Genomes Project 0.26857; TOPMed 0.22938; 1000 Genomes Project 30x 0.26187.
gnomAD v4.1: 34,060 of 152,046 alleles (22%); highest among the groups gnomAD compares: East Asian, 48%; 4,316 homozygotes.

Submission:

GeneDx
Classification: Benign. Last evaluated: 2018-06-18. Review status: criteria provided, single submitter. Criteria: GeneDx Variant Classification (06012015). Collection method: clinical testing. Allele origin: germline. Affected: yes.
Comment: This variant is considered likely benign or benign based on one or more of the following criteria: it is a conservative change, it occurs at a poorly conserved position in the protein, it is predicted to be benign by multiple in silico algorithms, and/or has population frequency not consistent with disease.

NM_005902.4(SMAD3):c.872-297C>T

Gene: SMAD3 (SMAD family member 3; plus strand). Cytogenetic location: 15q22.33.
Variant type: single nucleotide variant.
Coding change: c.872-297C>T on transcript NM_005902.4 (MANE Select); 297 bases into the intron before coding-DNA position 872, C replaced by T.
Molecular consequence: intron variant.
Genome position (GRCh38, 1-based): chr15:67,184,430, C>T. VCF-style: chr15-67184430-C-T. GRCh37 (hg19) VCF-style: chr15-67476768-C-T.
Other names: c.557-297C>T (NM_001145102.2); c.740-297C>T (NM_001145103.2); c.287-297C>T (NM_001145104.2).
Identifiers: ClinVar variation 683848 (VCV000683848.1), dbSNP rs7181556, ClinGen allele CA14104834.
Genomic context (GRCh38, chr15:67,184,430, plus strand): 5'-GCTCTGGGATTATTGGTGTGAGCCACCGCGCCTGGCCCCCATCCCTATCGTAGAGACAAA[C>T]GAAGACTCAGAGGGTGAATAACTTGACTGAGGCCCATGCCTACTCAGTGGCAAAGGCTGT-3'